The following is an entry in ClinVar:

ClinVar aggregate classification (germline): Uncertain significance. Review status: criteria provided, multiple submitters, no conflicts (2 of 4 stars). 2 submissions from 2 submitters: Uncertain significance (2). Last evaluated 2025-05-06.

Submissions (2):

GeneDx
Classification: Uncertain significance. Last evaluated: 2025-05-06. Review status: criteria provided, single submitter. Criteria: GeneDx Variant Classification Process June 2021. Collection method: clinical testing. Allele origin: germline.
Comment: In silico analysis supports that this missense variant has a deleterious effect on protein structure/function; Has not been previously published as pathogenic or benign to our knowledge

Labcorp Genetics (formerly Invitae), Labcorp
Classification: Uncertain significance. Last evaluated: 2024-06-17. Review status: criteria provided, single submitter. Criteria: Invitae Variant Classification Sherloc (09022015). Collection method: clinical testing. Allele origin: germline.
Comment: This sequence change replaces phenylalanine, which is neutral and non-polar, with leucine, which is neutral and non-polar, at codon 1319 of the MYCBP2 protein (p.Phe1319Leu). This variant is not present in population databases (gnomAD no frequency). This variant has not been reported in the literature in individuals affected with MYCBP2-related conditions. An algorithm developed to predict the effect of missense changes on protein structure and function (PolyPhen-2) suggests that this variant is likely to be disruptive. In summary, the available evidence is currently insufficient to determine the role of this variant in disease. Therefore, it has been classified as a Variant of Uncertain Significance.

NM_015057.5(MYCBP2):c.3957T>G (p.Phe1319Leu)

Gene: MYCBP2 (MYC binding protein 2; minus strand). Cytogenetic location: 13q22.3.
Variant type: single nucleotide variant.
Coding change: c.3957T>G on transcript NM_015057.5 (MANE Select); coding-DNA position 3957, T replaced by G.
Protein change: p.Phe1319Leu; replaces phenylalanine 1319 with leucine.
Molecular consequence: missense variant.
Genome position (GRCh38, 1-based): chr13:77,191,792, A>C on the plus strand (T>G on the coding strand, the complement: MYCBP2 is on the minus strand). VCF-style: chr13-77191792-A-C. GRCh37 (hg19) VCF-style: chr13-77765927-A-C.
Other names: short protein forms F1319L.
Identifiers: ClinVar variation 3390691 (VCV003390691.4).